The following is an entry in ClinVar:

ClinVar aggregate classification (germline): Uncertain significance (1 of 4 stars; one submission).

Conditions:
Cardiovascular phenotype. Identifiers: MedGen CN230736.

Submission:

Ambry Genetics
Classification: Uncertain significance for Cardiovascular phenotype. Last evaluated: 2024-04-25. Review status: criteria provided, single submitter. Criteria: Ambry Variant Classification Scheme 2023. Collection method: clinical testing. Allele origin: germline.
Comment: The p.P224R variant (also known as c.671C>G), located in coding exon 4 of the BGN gene, results from a C to G substitution at nucleotide position 671. The proline at codon 224 is replaced by arginine, an amino acid with dissimilar properties. This amino acid position is conserved. In addition, the in silico prediction for this alteration is inconclusive. Based on the available evidence, the clinical significance of this variant remains unclear.

NM_001711.6(BGN):c.671C>G (p.Pro224Arg)

Gene: BGN (biglycan; plus strand). Cytogenetic location: Xq28.
Variant type: single nucleotide variant.
Coding change: c.671C>G on transcript NM_001711.6 (MANE Select); coding-DNA position 671, C replaced by G.
Protein change: p.Pro224Arg; replaces proline 224 with arginine.
Molecular consequence: missense variant.
Genome position (GRCh38, 1-based): chrX:153,506,634, C>G. VCF-style: chrX-153506634-C-G. GRCh37 (hg19) VCF-style: chrX-152772092-C-G.
Other names: short protein forms P224R.
Identifiers: ClinVar variation 3260838 (VCV003260838.1).